The following is an entry in ClinVar:

ClinVar aggregate classification (germline): Benign/Likely benign. Review status: criteria provided, multiple submitters, no conflicts (2 of 4 stars). 3 submissions from 3 submitters: Benign (1); Likely benign (2). Last evaluated 2026-01-06.

Conditions:
Congenital microvillous atrophy (DIAR2). Also called: CONGENITAL FAMILIAL PROTRACTED DIARRHEA WITH ENTEROCYTE BRUSH-BORDER ABNORMALITIES; DAVIDSON DISEASE; Diarrhea 2 with microvillus atrophy, with or without cholestasis; MICROVILLUS ATROPHY, CONGENITAL; Microvillus inclusion disease. Identifiers: Orphanet 2290, MedGen C0341306, MONDO:0009635, OMIM 251850.

Allele frequency attached by ClinVar (database versions not stated): ESP Exome Variant Server 0.00016; gnomAD 0.00041 and 0.00047; TOPMed 0.00050; 1000 Genomes Project 0.00220; 1000 Genomes Project 30x 0.00250.
gnomAD v4.1: 401 of 1,613,428 alleles (0.025%); highest among the groups gnomAD compares: East Asian, 0.62%; 1 homozygote.

Submissions (3):

Labcorp Genetics (formerly Invitae), Labcorp
Classification: Benign. Last evaluated: 2026-01-06. Review status: criteria provided, single submitter. Criteria: Invitae Variant Classification Sherloc (09022015). Collection method: clinical testing. Allele origin: germline.

Blueprint Genetics
Classification: Likely benign. Last evaluated: 2024-11-26. Review status: criteria provided, single submitter. Criteria: ACMG Guidelines, 2015. Collection method: clinical testing. Allele origin: germline.

Illumina Laboratory Services, Illumina
Classification: Likely benign for Congenital microvillous atrophy. Last evaluated: 2018-01-13. Review status: criteria provided, single submitter. Criteria: ICSL Variant Classification Criteria 13 December 2019. Collection method: clinical testing. Allele origin: germline.
Comment: This variant was observed in the ICSL laboratory as part of a predisposition screen in an ostensibly healthy population. It had not been previously curated by ICSL or reported in the Human Gene Mutation Database (HGMD: prior to June 1st, 2018), and was therefore a candidate for classification through an automated scoring system. Utilizing variant allele frequency, disease prevalence and penetrance estimates, and inheritance mode, an automated score was calculated to assess if this variant is too frequent to cause the disease. Based on the score and internal cut-off values, a variant classified as likely benign is not then subjected to further curation. The score for this variant resulted in a classification of likely benign for this disease.

NM_001080467.3(MYO5B):c.2415-6C>G

Gene: MYO5B (myosin VB; minus strand). Cytogenetic location: 18q21.1.
Variant type: single nucleotide variant.
Coding change: c.2415-6C>G on transcript NM_001080467.3 (MANE Select); 6 bases into the intron before coding-DNA position 2415, C replaced by G.
Molecular consequence: intron variant.
Genome position (GRCh38, 1-based): chr18:49,904,834, G>C on the plus strand (C>G on the coding strand, the complement: MYO5B is on the minus strand). VCF-style: chr18-49904834-G-C. GRCh37 (hg19) VCF-style: chr18-47431204-G-C.
Identifiers: ClinVar variation 327045 (VCV000327045.16), dbSNP rs2298625, ClinGen allele CA8961084.